The following is an entry in ClinVar:

ClinVar aggregate classification (germline): Benign/Likely benign. Review status: criteria provided, multiple submitters, no conflicts (2 of 4 stars). 9 submissions from 8 submitters: Benign (4); Likely benign (2). 3 of the submissions do not count toward it. Last evaluated 2026-07-01.

Conditions:
Basal cell nevus syndrome 1 (BCNS1). Also called: GORLIN-GOLTZ SYNDROME; MULTIPLE BASAL CELL NEVI, ODONTOGENIC KERATOCYSTS, AND SKELETAL ANOMALIES. Identifiers: MedGen CN376810, MONDO:0958174, OMIM 109400.
Basal cell carcinoma, susceptibility to, 1. Also called: BCC1. Identifiers: MedGen C2751544, MONDO:0011556, OMIM 605462.
Gorlin syndrome. Also called: Nevoid Basal Cell Carcinoma Syndrome; Basal cell nevus syndrome. Identifiers: Orphanet 377, MedGen C0004779, MONDO:0007187.
PTCH2-related disorder. Also called: PTCH2-related condition; PTCH2-related disease.

Allele frequency attached by ClinVar (database versions not stated): 1000 Genomes Project 0.00679; 1000 Genomes Project 30x 0.00687; TOPMed 0.01025; ESP Exome Variant Server 0.01253.
gnomAD v4.1: 20,749 of 1,614,134 alleles (1.3%); highest among the groups gnomAD compares: Non-Finnish European, 1.5%; 185 homozygotes.

Submissions (9):

CeGaT Center for Human Genetics Tuebingen
Classification: Benign. Last evaluated: 2026-07-01. Review status: criteria provided, single submitter. Criteria: CeGaT Center For Human Genetics Tuebingen Variant Classification Criteria Version 2. Collection method: clinical testing. Allele origin: germline. Affected: yes. Observed: 101 variant alleles.
Comment: PTCH2: BP4, BP7, BS1, BS2

Labcorp Genetics (formerly Invitae), Labcorp
Classification: Benign for Gorlin syndrome. Last evaluated: 2026-02-02. Review status: criteria provided, single submitter. Criteria: Invitae Variant Classification Sherloc (09022015). Collection method: clinical testing. Allele origin: germline.

KCCC/NGS Laboratory, Kuwait Cancer Control Center
Classification: Benign for Basal cell nevus syndrome 1. Last evaluated: 2025-02-01. Review status: criteria provided, single submitter. Criteria: ACMG Guidelines, 2015. Collection method: clinical testing. Allele origin: germline. Affected: no.

KCCC/NGS Laboratory, Kuwait Cancer Control Center
Classification: Benign for Basal cell carcinoma, susceptibility to, 1. Last evaluated: 2023-07-07. Review status: criteria provided, single submitter. Criteria: ACMG Guidelines, 2015. Collection method: clinical testing. Allele origin: germline. Affected: yes.

GeneDx
Classification: Likely benign. Last evaluated: 2021-09-21. Review status: criteria provided, single submitter. Criteria: GeneDx Variant Classification Process June 2021. Collection method: clinical testing. Allele origin: germline. Affected: yes.

Breakthrough Genomics
Classification: Likely benign. Review status: criteria provided, single submitter. Criteria: ACMG Guidelines, 2015. Collection method: not provided. Allele origin: germline. Inheritance: Autosomal dominant inheritance. Affected: yes.

PreventionGenetics, part of Exact Sciences
Classification: Benign for PTCH2-related condition. Last evaluated: 2019-08-28. Review status: no assertion criteria provided. Collection method: clinical testing. Allele origin: germline. Not counted in ClinVar's aggregate classification.
Comment: This variant is classified as benign based on ACMG/AMP sequence variant interpretation guidelines (Richards et al. 2015 PMID: 25741868, with internal and published modifications).

Genome Diagnostics Laboratory, Amsterdam University Medical Center
Classification: Benign. Review status: no assertion criteria provided. Collection method: clinical testing. Allele origin: germline. Affected: yes. Study: VKGL Data-share Consensus. Not counted in ClinVar's aggregate classification.

Laboratory of Diagnostic Genome Analysis, Leiden University Medical Center (LUMC)
Classification: Benign. Review status: no assertion criteria provided. Collection method: clinical testing. Allele origin: germline. Affected: yes. Study: VKGL Data-share Consensus. Not counted in ClinVar's aggregate classification.

NM_003738.5(PTCH2):c.2427G>C (p.Ser809=)

Gene: PTCH2 (patched 2; minus strand). Cytogenetic location: 1p34.1.
Variant type: single nucleotide variant.
Coding change: c.2427G>C on transcript NM_003738.5 (MANE Select); coding-DNA position 2427, G replaced by C.
Protein change: p.Ser809=; no amino-acid change (serine 809 retained).
Molecular consequence: synonymous variant.
Genome position (GRCh38, 1-based): chr1:44,827,254, C>G on the plus strand (G>C on the coding strand, the complement: PTCH2 is on the minus strand). VCF-style: chr1-44827254-C-G. GRCh37 (hg19) VCF-style: chr1-45292926-C-G.
Other names: c.2427G>C, p.Ser809= (NM_001166292.2).
Identifiers: ClinVar variation 239557 (VCV000239557.32), dbSNP rs111471526, ClinGen allele CA823004.